The following is an entry in ClinVar:

ClinVar aggregate classification (germline): Uncertain significance (1 of 4 stars; one submission).

Allele frequency attached by ClinVar (database versions not stated): gnomAD exomes below 0.00001; TOPMed below 0.00001.
gnomAD v4.1: 2 of 1,611,644 alleles (0.00012%); highest among the groups gnomAD compares: South Asian, 0.0011%; no homozygotes.

Submission:

Labcorp Genetics (formerly Invitae), Labcorp
Classification: Uncertain significance. Last evaluated: 2022-07-14. Review status: criteria provided, single submitter. Criteria: Invitae Variant Classification Sherloc (09022015). Collection method: clinical testing. Allele origin: germline.
Comment: In summary, the available evidence is currently insufficient to determine the role of this variant in disease. Therefore, it has been classified as a Variant of Uncertain Significance. This sequence change replaces alanine, which is neutral and non-polar, with valine, which is neutral and non-polar, at codon 345 of the MYO18B protein (p.Ala345Val). This variant is not present in population databases (gnomAD no frequency). This variant has not been reported in the literature in individuals affected with MYO18B-related conditions. Algorithms developed to predict the effect of missense changes on protein structure and function output the following: SIFT: "Not Available"; PolyPhen-2: "Benign"; Align-GVGD: "Not Available". The valine amino acid residue is found in multiple mammalian species, which suggests that this missense change does not adversely affect protein function.

NM_032608.7(MYO18B):c.1034C>T (p.Ala345Val)

Gene: MYO18B (myosin XVIIIB; plus strand). Cytogenetic location: 22q12.1.
Variant type: single nucleotide variant.
Coding change: c.1034C>T on transcript NM_032608.7 (MANE Select); coding-DNA position 1034, C replaced by T.
Protein change: p.Ala345Val; replaces alanine 345 with valine.
Molecular consequence: missense variant.
Genome position (GRCh38, 1-based): chr22:25,768,950, C>T. VCF-style: chr22-25768950-C-T. GRCh37 (hg19) VCF-style: chr22-26164917-C-T.
Other names: c.1034C>T, p.Ala345Val (NM_001318245.2); short protein forms A345V.
Identifiers: ClinVar variation 1949624 (VCV001949624.5), dbSNP rs2086613489, ClinGen allele CA411003987.